The following is an entry in ClinVar:

ClinVar aggregate classification (germline): Pathogenic (1 of 4 stars; one submission).

Conditions:
Telangiectasia, hereditary hemorrhagic, type 2 (HHT2). Also called: Telangiectasia, hereditary hemorrhagic, type II; ACVRL1-Related Hereditary Hemorrhagic Telangiectasia. Identifiers: Orphanet 774, MedGen C1838163, MONDO:0010880, OMIM 600376. Disease mechanism: loss of function.

Submission:

Labcorp Genetics (formerly Invitae), Labcorp
Classification: Pathogenic for Telangiectasia, hereditary hemorrhagic, type 2. Last evaluated: 2024-02-08. Review status: criteria provided, single submitter. Criteria: Invitae Variant Classification Sherloc (09022015). Collection method: clinical testing. Allele origin: germline.
Comment: This sequence change replaces cysteine, which is neutral and slightly polar, with arginine, which is basic and polar, at codon 36 of the ACVRL1 protein (p.Cys36Arg). This variant is not present in population databases (gnomAD no frequency). This missense change has been observed in individual(s) with clinical features of hereditary hemorrhagic telangiectasia (PMID: 21488239, 31400083, 32300199; Invitae). ClinVar contains an entry for this variant (Variation ID: 1066979). Advanced modeling of protein sequence and biophysical properties (such as structural, functional, and spatial information, amino acid conservation, physicochemical variation, residue mobility, and thermodynamic stability) performed at Invitae indicates that this missense variant is expected to disrupt ACVRL1 protein function with a positive predictive value of 95%. This variant affects a cysteine residue located within the ACVRL1 protein ectodomain. Cysteine residues in this domain of ACVRL1 are involved in the formation of disulfide bridges critical for protein structure and stability (PMID: 22028876, 22718755, 22799562). In addition, missense substitutions within the ACVRL1 ectodomain affecting cysteine residues are overrepresented in patients with HHT (PMID: 20501893, 26176610 and an online resource). This variant disrupts the p.Cys36 amino acid residue in ACVRL1. Other variant(s) that disrupt this residue have been observed in individuals with ACVRL1-related conditions (PMID: 16470589), which suggests that this may be a clinically significant amino acid residue. For these reasons, this variant has been classified as Pathogenic.

Literature cited by the submitters: PubMed 21488239; PubMed 31400083; PubMed 32300199; PubMed 22028876; PubMed 22718755; PubMed 22799562; PubMed 20501893; PubMed 26176610; PubMed 16470589.

NM_000020.3(ACVRL1):c.106T>C (p.Cys36Arg)

Gene: ACVRL1 (activin A receptor like type 1; plus strand). Cytogenetic location: 12q13.13.
Variant type: single nucleotide variant.
Coding change: c.106T>C on transcript NM_000020.3 (MANE Select); coding-DNA position 106, T replaced by C.
Protein change: p.Cys36Arg; replaces cysteine 36 with arginine.
Molecular consequence: missense variant.
Genome position (GRCh38, 1-based): chr12:51,913,143, T>C. VCF-style: chr12-51913143-T-C. GRCh37 (hg19) VCF-style: chr12-52306927-T-C.
Other names: c.106T>C, p.Cys36Arg (NM_001077401.2); short protein forms C36R.
Identifiers: ClinVar variation 1066979 (VCV001066979.9), dbSNP rs2139064443, ClinGen allele CA384897534.
Genomic context (GRCh38, chr12:51,913,143, plus strand): 5'-CCGGTGTGTCTTCCAGGAGACCCTGTGAAGCCGTCTCGGGGCCCGCTGGTGACCTGCACG[T>C]GTGAGAGCCCACATTGCAAGGGGCCTACCTGCCGGGGGGCCTGGTGCACAGTAGTGCTGG-3'
Protein context (NP_000011.2, residues 26-46): PSRGPLVTCT[Cys36Arg]ESPHCKGPTC